The following is an entry in ClinVar:

ClinVar aggregate classification (germline): Likely benign. Review status: criteria provided, multiple submitters, no conflicts (2 of 4 stars). 2 submissions from 2 submitters: Likely benign (2). Last evaluated 2026-08-01.

Conditions:
Inborn genetic diseases. Identifiers: MedGen C0950123, MeSH D030342.

gnomAD v4.1: 36 of 1,496,180 alleles (0.0024%); highest among the groups gnomAD compares: Admixed American, 0.0073%; no homozygotes.

Submissions (2):

CeGaT Center for Human Genetics Tuebingen
Classification: Likely benign. Last evaluated: 2026-08-01. Review status: criteria provided, single submitter. Criteria: CeGaT Center For Human Genetics Tuebingen Variant Classification Criteria Version 2. Collection method: clinical testing. Allele origin: germline. Affected: yes. Observed: 1 variant allele.
Comment: SMARCC2: BP4

Ambry Genetics
Classification: Likely benign for Inborn genetic diseases. Last evaluated: 2024-11-27. Review status: criteria provided, single submitter. Criteria: Ambry Variant Classification Scheme 2023. Collection method: clinical testing. Allele origin: germline.

NM_001330288.2(SMARCC2):c.3219C>A (p.Pro1073=)

Gene: SMARCC2 (SWI/SNF related BAF chromatin remodeling complex subunit C2; minus strand). Cytogenetic location: 12q13.2.
Variant type: single nucleotide variant.
Coding change: c.3219C>A on transcript NM_001330288.2 (MANE Select); coding-DNA position 3219, C replaced by A.
Protein change: p.Pro1073=; no amino-acid change (proline 1073 retained).
Molecular consequence: synonymous variant.
Genome position (GRCh38, 1-based): chr12:56,165,331, G>T on the plus strand (C>A on the coding strand, the complement: SMARCC2 is on the minus strand). VCF-style: chr12-56165331-G-T. GRCh37 (hg19) VCF-style: chr12-56559115-G-T.
Other names: c.3219C>A, p.Pro1073= (NM_001130420.3, NM_139067.4); c.3126C>A, p.Pro1042= (NM_003075.5).
Identifiers: ClinVar variation 3446114 (VCV003446114.2).